The following is an entry in ClinVar:

ClinVar aggregate classification (germline): Uncertain significance (1 of 4 stars; one submission).

Conditions:
Spermatogenic failure 18. Identifiers: MedGen C4539783, MONDO:0054615, OMIM 617576.
Ciliary dyskinesia, primary, 37 (CILD37). Also called: CILIARY DYSKINESIA, PRIMARY, 37, WITH OR WITHOUT SITUS INVERSUS. Identifiers: MedGen C4539798, MONDO:0033204, OMIM 617577.

gnomAD v4.1: 1 of 1,609,404 alleles (0.000062%); no homozygotes.

Submission:

Labcorp Genetics (formerly Invitae), Labcorp
Classification: Uncertain significance for Ciliary dyskinesia, primary, 37; Spermatogenic failure 18. Last evaluated: 2021-01-27. Review status: criteria provided, single submitter. Criteria: Invitae Variant Classification Sherloc (09022015). Collection method: clinical testing. Allele origin: germline.
Comment: In summary, the available evidence is currently insufficient to determine the role of this variant in disease. Therefore, it has been classified as a Variant of Uncertain Significance. Algorithms developed to predict the effect of missense changes on protein structure and function output the following: SIFT: "Deleterious"; PolyPhen-2: "Benign"; Align-GVGD: "Class C0". The arginine amino acid residue is found in multiple mammalian species, suggesting that this missense change does not adversely affect protein function. These predictions have not been confirmed by published functional studies and their clinical significance is uncertain. This variant has not been reported in the literature in individuals with DNAH1-related conditions. This variant is not present in population databases (ExAC no frequency). This sequence change replaces lysine with arginine at codon 1836 of the DNAH1 protein (p.Lys1836Arg). The lysine residue is highly conserved and there is a small physicochemical difference between lysine and arginine.

NM_015512.5(DNAH1):c.5507A>G (p.Lys1836Arg)

Gene: DNAH1 (dynein axonemal heavy chain 1; plus strand). Cytogenetic location: 3p21.1.
Variant type: single nucleotide variant.
Coding change: c.5507A>G on transcript NM_015512.5 (MANE Select); coding-DNA position 5507, A replaced by G.
Protein change: p.Lys1836Arg; replaces lysine 1836 with arginine.
Molecular consequence: missense variant.
Genome position (GRCh38, 1-based): chr3:52,365,008, A>G. VCF-style: chr3-52365008-A-G. GRCh37 (hg19) VCF-style: chr3-52399024-A-G.
Other names: short protein forms K1836R.
Identifiers: ClinVar variation 1405267 (VCV001405267.8), dbSNP rs2153224495, ClinGen allele CA353145276.